The following is an entry in ClinVar:

NM_000138.5(FBN1):c.868G>A (p.Asp290Asn)

Gene: FBN1 (fibrillin 1; minus strand). Cytogenetic location: 15q21.1.
Variant type: single nucleotide variant.
Coding change: c.868G>A on transcript NM_000138.5 (MANE Select); coding-DNA position 868, G replaced by A.
Protein change: p.Asp290Asn; replaces aspartic acid 290 with asparagine.
Molecular consequence: missense variant.
Genome position (GRCh38, 1-based): chr15:48,526,250, C>T on the plus strand (G>A on the coding strand, the complement: FBN1 is on the minus strand). VCF-style: chr15-48526250-C-T. GRCh37 (hg19) VCF-style: chr15-48818447-C-T.
Other names: c.868G>A, p.Asp290Asn (NM_001406716.1); short protein forms D290N.
Identifiers: ClinVar variation 4789088 (VCV004789088.1).
Genomic context (GRCh38, chr15:48,526,250, plus strand): 5'-TGCTGACTGTGTTTGTACATTCACCCCCTTCACAGATTCCAGGAATGGTGCTGCATTCAT[C>T]AATATCTGGAATATAAAAAAAAGAATCTCAGCATTTGTAGAACACAATATAAAACCATTC-3'
Protein context (NP_000129.3, residues 280-300): NEVSQKCEDI[Asp290Asn]ECSTIPGICE

ClinVar aggregate classification (germline): Uncertain significance (1 of 4 stars; one submission).

Conditions:
Marfan syndrome (MFS). Also called: FBN1-Related Marfan Syndrome; MARFAN SYNDROME, TYPE I; Marfan syndrome type 1; Marfan's syndrome; Marfan syndrome, classic. Identifiers: Orphanet 284963, Orphanet 558, MedGen C0024796, MONDO:0007947, OMIM 154700.
Familial thoracic aortic aneurysm and aortic dissection (TAAD). Also called: Thoracic aortic aneurysms and dissections. Identifiers: Orphanet 91387, MedGen C4707243, MONDO:0019625.

Submission:

Labcorp Genetics (formerly Invitae), Labcorp
Classification: Uncertain significance for Marfan syndrome; Familial thoracic aortic aneurysm and aortic dissection. Last evaluated: 2026-01-02. Review status: criteria provided, single submitter. Criteria: Invitae Variant Classification Sherloc (09022015). Collection method: clinical testing. Allele origin: germline.
Comment: This sequence change replaces aspartic acid, which is acidic and polar, with asparagine, which is neutral and polar, at codon 290 of the FBN1 protein (p.Asp290Asn). This variant is not present in population databases (gnomAD no frequency). This variant has not been reported in the literature in individuals affected with FBN1-related conditions. Invitae Evidence Modeling of protein sequence and biophysical properties (such as structural, functional, and spatial information, amino acid conservation, physicochemical variation, residue mobility, and thermodynamic stability) indicates that this missense variant is expected to disrupt FBN1 protein function with a positive predictive value of 80%. In summary, the available evidence is currently insufficient to determine the role of this variant in disease. Therefore, it has been classified as a Variant of Uncertain Significance.